The following is an entry in ClinVar:

NM_001127222.2(CACNA1A):c.4926C>T (p.Thr1642=)

Gene: CACNA1A (calcium voltage-gated channel subunit alpha1 A; minus strand). Cytogenetic location: 19p13.13.
Variant type: single nucleotide variant.
Coding change: c.4926C>T on transcript NM_001127222.2 (MANE Select); coding-DNA position 4926, C replaced by T.
Protein change: p.Thr1642=; no amino-acid change (threonine 1642 retained).
Molecular consequence: synonymous variant.
Genome position (GRCh38, 1-based): chr19:13,245,206, G>A on the plus strand (C>T on the coding strand, the complement: CACNA1A is on the minus strand). VCF-style: chr19-13245206-G-A. GRCh37 (hg19) VCF-style: chr19-13356020-G-A.
Other names: c.4938C>T, p.Thr1646= (NM_000068.4, NM_023035.3); c.4929C>T, p.Thr1643= (NM_001127221.2, NM_001174080.2); c.4926C>T (NM_001127222.1).
Identifiers: ClinVar variation 387203 (VCV000387203.17), dbSNP rs16036, ClinGen allele CA9239901.

ClinVar aggregate classification (germline): Benign/Likely benign. Review status: criteria provided, multiple submitters, no conflicts (2 of 4 stars). 5 submissions from 5 submitters: Benign (1); Likely benign (3). 1 of the submissions does not count toward it. Last evaluated 2025-12-18.

Conditions:
Inborn genetic diseases. Identifiers: MedGen C0950123, MeSH D030342.
CACNA1A-related disorder. Also called: CACNA1A-related condition.
Episodic ataxia type 2 (EA2). Also called: ACETAZOLAMIDE-RESPONSIVE HEREDITARY PAROXYSMAL CEREBELLAR ATAXIA; ATAXIA, EPISODIC, WITH NYSTAGMUS; ATAXIA, FAMILIAL PAROXYSMAL; CEREBELLAR ATAXIA, PAROXYSMAL, ACETAZOLAMIDE-RESPONSIVE; CEREBELLOPATHY, HEREDITARY PAROXYSMAL; EPISODIC ATAXIA, NYSTAGMUS-ASSOCIATED. Identifiers: Orphanet 97, MedGen C1720416, MONDO:0007163, OMIM 108500.
Developmental and epileptic encephalopathy, 42 (DEE42A). Also called: Epileptic encephalopathy, early infantile, 42; DEVELOPMENTAL AND EPILEPTIC ENCEPHALOPATHY 42A; EPILEPTIC ENCEPHALOPATHY, EARLY INFANTILE, 42A. Identifiers: MedGen C4310716, MONDO:0014917, OMIM 617106.

Allele frequency attached by ClinVar (database versions not stated): gnomAD exomes 0.00004 and 0.00008; ExAC 0.00008; ESP Exome Variant Server 0.00024; TOPMed 0.00028; gnomAD 0.00029 and 0.00031; 1000 Genomes Project 30x 0.00031; 1000 Genomes Project 0.00040.
gnomAD v4.1: 98 of 1,613,802 alleles (0.0061%); highest among the groups gnomAD compares: African/African-American, 0.1%; no homozygotes.

Submissions (5):

Labcorp Genetics (formerly Invitae), Labcorp
Classification: Benign for Developmental and epileptic encephalopathy, 42; Episodic ataxia type 2. Last evaluated: 2025-12-18. Review status: criteria provided, single submitter. Criteria: Invitae Variant Classification Sherloc (09022015). Collection method: clinical testing. Allele origin: germline.

Blueprint Genetics
Classification: Likely benign. Last evaluated: 2024-07-09. Review status: criteria provided, single submitter. Criteria: ACMG Guidelines, 2015. Collection method: clinical testing. Allele origin: germline.

Ambry Genetics
Classification: Likely benign for Inborn genetic diseases. Last evaluated: 2018-01-26. Review status: criteria provided, single submitter. Criteria: Ambry Variant Classification Scheme 2023. Collection method: clinical testing. Allele origin: germline.

GeneDx
Classification: Likely benign. Last evaluated: 2016-06-29. Review status: criteria provided, single submitter. Criteria: GeneDx Variant Classification (06012015). Collection method: clinical testing. Allele origin: germline. Affected: yes.
Comment: This variant is considered likely benign or benign based on one or more of the following criteria: it is a conservative change, it occurs at a poorly conserved position in the protein, it is predicted to be benign by multiple in silico algorithms, and/or has population frequency not consistent with disease.

PreventionGenetics, part of Exact Sciences
Classification: Likely benign for CACNA1A-related condition. Last evaluated: 2019-08-20. Review status: no assertion criteria provided. Collection method: clinical testing. Allele origin: germline. Not counted in ClinVar's aggregate classification.
Comment: This variant is classified as likely benign based on ACMG/AMP sequence variant interpretation guidelines (Richards et al. 2015 PMID: 25741868, with internal and published modifications).